The following is an entry in ClinVar:

ClinVar aggregate classification (germline): Likely pathogenic (1 of 4 stars; one submission).

Conditions:
Primary hyperoxaluria, type I (HP1). Also called: OXALOSIS I; Primary hyperoxaluria type 1; GLYCOLIC ACIDURIA; HEPATIC AGT DEFICIENCY. Identifiers: Orphanet 416, Orphanet 93598, MedGen C0268164, MONDO:0009823, OMIM 259900. Disease mechanism: loss of function.

Submission:

Natera, Inc.
Classification: Likely pathogenic for Primary hyperoxaluria type I. Last evaluated: 2024-12-13. Review status: criteria provided, single submitter. Criteria: Natera Variant Classification Schema (03/2026). Collection method: clinical testing. Allele origin: germline.
Comment: The c.751del variant in AGXT is a frameshift variant predicted to shift the reading frame beginning at codon 251 and leads to a stop codon 22 codons downstream. This variant is expected to result in nonsense mediated decay, truncation, or a dysfunctional protein product. This variant is rare in the general population with a frequency below the threshold expected for the associated phenotype(s). Given the available evidence, this variant is classified as Likely Pathogenic.

NM_000030.3(AGXT):c.751del (p.Trp251fs)

Gene: AGXT (alanine--glyoxylate aminotransferase; plus strand). Cytogenetic location: 2q37.3.
Variant type: Deletion.
Coding change: c.751del on transcript NM_000030.3 (MANE Select); coding-DNA position 751, one base deleted (T; older notation c.751delT).
Protein change: p.Trp251fs; shifts the reading frame from tryptophan 251.
Molecular consequence: frameshift variant.
Genome position (GRCh38, 1-based): chr2:240,875,179, T deleted. VCF-style (leftmost placement, unchanged base first): chr2-240875178-CT-C. GRCh37 (hg19) VCF-style: chr2-241814595-CT-C.
Other names: short protein forms W251fs.
Identifiers: ClinVar variation 4818039 (VCV004818039.1).
Genomic context (GRCh38, chr2:240,875,178, plus strand): 5'-GTACTCCCGCAAGACGAAGCCCTTCTCCTTCTACCTGGACATCAAGTGGCTGGCCAACTT[CT>C]GGGGCTGTGACGACCAGCCCAGGATGTGAGGCCTGGCAGGGATGGGAAGGTGGAGGGCGC-3'